The following is an entry in ClinVar:

NM_058246.4(DNAJB6):c.*923G>A

Gene: DNAJB6 (DnaJ heat shock protein family (Hsp40) member B6; plus strand). Cytogenetic location: 7q36.3.
Variant type: single nucleotide variant.
Coding change: c.*923G>A on transcript NM_058246.4 (MANE Select); 923 bases downstream of the stop codon, G replaced by A.
Molecular consequence: 3 prime UTR variant.
Genome position (GRCh38, 1-based): chr7:157,417,021, G>A. VCF-style: chr7-157417021-G-A. GRCh37 (hg19) VCF-style: chr7-157209715-G-A.
Other names: c.*923G>A (NM_001363676.1).
Identifiers: ClinVar variation 909463 (VCV000909463.4), dbSNP rs149171640, ClinGen allele CA169908187.

ClinVar aggregate classification (germline): Benign (1 of 4 stars; one submission).

Conditions:
Autosomal dominant limb-girdle muscular dystrophy type 1D (DNAJB6) (LGMDD1). Also called: Autosomal dominant limb-girdle muscular dystrophy type 1D; Muscular dystrophy, limb-girdle, autosomal dominant 1; MUSCULAR DYSTROPHY, AUTOSOMAL DOMINANT, WITH RIMMED VACUOLES; MUSCULAR DYSTROPHY, LIMB-GIRDLE, TYPE 1D. Identifiers: Orphanet 34516, MedGen C4721885, MONDO:0021018, OMIM 603511.

Allele frequency attached by ClinVar (database versions not stated): 1000 Genomes Project 0.00060; 1000 Genomes Project 30x 0.00078; gnomAD 0.00104 and 0.00112; TOPMed 0.00106.

Submission:

Illumina Laboratory Services, Illumina
Classification: Benign for Autosomal dominant limb-girdle muscular dystrophy type 1D (DNAJB6). Last evaluated: 2018-01-13. Review status: criteria provided, single submitter. Criteria: ICSL Variant Classification Criteria 13 December 2019. Collection method: clinical testing. Allele origin: germline.
Comment: This variant was observed in the ICSL laboratory as part of a predisposition screen in an ostensibly healthy population. It had not been previously curated by ICSL or reported in the Human Gene Mutation Database (HGMD: prior to June 1st, 2018), and was therefore a candidate for classification through an automated scoring system. Utilizing variant allele frequency, disease prevalence and penetrance estimates, and inheritance mode, an automated score was calculated to assess if this variant is too frequent to cause the disease. Based on the score and internal cut-off values, a variant classified as benign is not then subjected to further curation. The score for this variant resulted in a classification of benign for this disease.